The following is an entry in ClinVar:

ClinVar aggregate classification (germline): Uncertain significance (1 of 4 stars; one submission).

Conditions:
Hereditary sensory and autonomic neuropathy type 6. Also called: Neuropathy, hereditary sensory and autonomic, type VI; HSAN VI. Identifiers: Orphanet 314381, MedGen C3539003, MONDO:0013839, OMIM 614653.
Epidermolysis bullosa simplex 3, localized or generalized intermediate, with BP230 deficiency (EBS3). Also called: Epidermolysis bullosa simplex, autosomal recessive 2; Epidermolysis bullosa simplex due to BP230 deficiency. Identifiers: Orphanet 412181, MedGen C3809470, MONDO:0014180, OMIM 615425.

Allele frequency attached by ClinVar (database versions not stated): gnomAD 0.00002; gnomAD exomes 0.00002 and 0.00005; TOPMed 0.00002; ExAC 0.00003.
gnomAD v4.1: 82 of 1,610,446 alleles (0.0051%); highest among the groups gnomAD compares: Non-Finnish European, 0.0063%; no homozygotes.

Submission:

Labcorp Genetics (formerly Invitae), Labcorp
Classification: Uncertain significance for Epidermolysis bullosa simplex 3, localized or generalized intermediate, with BP230 deficiency; Hereditary sensory and autonomic neuropathy type 6. Last evaluated: 2022-10-25. Review status: criteria provided, single submitter. Criteria: Invitae Variant Classification Sherloc (09022015). Collection method: clinical testing. Allele origin: germline.
Comment: The DST gene has multiple clinically relevant transcripts. This variant occurs in alternate transcript NM_015548.4, and corresponds to NM_001723.5:c.*63317A>T in the primary transcript. This sequence change replaces glutamine, which is neutral and polar, with leucine, which is neutral and non-polar, at codon 2908 of the DST protein (p.Gln2908Leu). This variant is present in population databases (rs756517173, gnomAD 0.004%). This variant has not been reported in the literature in individuals affected with DST-related conditions. Experimental studies and prediction algorithms are not available or were not evaluated, and the functional significance of this variant is currently unknown. In summary, the available evidence is currently insufficient to determine the role of this variant in disease. Therefore, it has been classified as a Variant of Uncertain Significance.

NM_001374736.1(DST):c.16592A>T (p.Gln5531Leu)

Gene: DST (dystonin; minus strand). Cytogenetic location: 6p12.1.
Variant type: single nucleotide variant.
Coding change: c.16592A>T on transcript NM_001374736.1 (MANE Select); coding-DNA position 16592, A replaced by T.
Protein change: p.Gln5531Leu; replaces glutamine 5531 with leucine.
Molecular consequence: missense variant.
Genome position (GRCh38, 1-based): chr6:56,552,200, T>A on the plus strand (A>T on the coding strand, the complement: DST is on the minus strand). VCF-style: chr6-56552200-T-A. GRCh37 (hg19) VCF-style: chr6-56416998-T-A.
Other names: c.10235A>T, p.Gln3412Leu (NM_001144769.5); c.9821A>T, p.Gln3274Leu (NM_001144770.2); c.16592A>T, p.Gln5531Leu (NM_001374722.1); c.15959A>T, p.Gln5320Leu (NM_001374729.1); c.9701A>T, p.Gln3234Leu (NM_001374730.1, NM_183380.4); c.16619A>T, p.Gln5540Leu (NM_001374734.1); c.8723A>T, p.Gln2908Leu (NM_015548.5); short protein forms Q2908L, Q3234L, Q3274L, Q3412L, Q5320L, Q5531L, Q5540L.
Identifiers: ClinVar variation 968270 (VCV000968270.7), dbSNP rs756517173, ClinGen allele CA3867654.
Genomic context (GRCh38, chr6:56,552,200, plus strand): 5'-TCATTGACAATAAAAACACTGGGTAAAAATGAAGAGTTCCCTACCTTGAACATGTTAAGC[T>A]GCTGATTAATTGTCTCCGTTTCCATACCAACAGGACCTTGTGACTCTTCATGTTCTTCGG-3'
Protein context (NP_001361665.1, residues 5521-5541): VGMETETINQ[Gln5531Leu]LNMFKVFQKE